The following is an entry in ClinVar:

ClinVar aggregate classification (germline): Benign (1 of 4 stars; one submission).

Allele frequency attached by ClinVar (database versions not stated): 1000 Genomes Project 0.00100; 1000 Genomes Project 30x 0.00141; gnomAD 0.00290; TOPMed 0.00295; ExAC 0.00348; gnomAD exomes 0.00466; ESP Exome Variant Server 0.00489.
gnomAD v4.1: 7,117 of 1,608,372 alleles (0.44%); highest among the groups gnomAD compares: Non-Finnish European, 0.56%; 27 homozygotes.

Submissions (4):

CeGaT Center for Human Genetics Tuebingen
Classification: Benign. Last evaluated: 2022-10-01. Review status: criteria provided, single submitter. Criteria: CeGaT Center For Human Genetics Tuebingen Variant Classification Criteria Version 2. Collection method: clinical testing. Allele origin: germline. Affected: yes. Observed: 1 variant allele.
Comment: SPTBN5: BS1, BS2

Dr. Peter K. Rogan Lab, Western University
No classification provided (evidence only). Condition: Malignant tumor of urinary bladder. Review status: no classification provided. Collection method: in vitro. Allele origin: not applicable. Functional consequence: retained intron. Not counted in ClinVar's aggregate classification.

Dr. Peter K. Rogan Lab, Western University
No classification provided (evidence only). Condition: Familial cancer of breast. Review status: no classification provided. Collection method: in vitro. Allele origin: not applicable. Functional consequence: retained intron. Not counted in ClinVar's aggregate classification.

Dr. Peter K. Rogan Lab, Western University
No classification provided (evidence only). Condition: Malignant tumor of esophagus. Review status: no classification provided. Collection method: in vitro. Allele origin: not applicable. Functional consequence: retained intron. Not counted in ClinVar's aggregate classification.

NM_016642.4(SPTBN5):c.10040C>T (p.Ala3347Val)

Gene: SPTBN5 (spectrin beta, non-erythrocytic 5; minus strand). Cytogenetic location: 15q15.1.
Variant type: single nucleotide variant.
Coding change: c.10040C>T on transcript NM_016642.4 (MANE Select); coding-DNA position 10040, C replaced by T.
Protein change: p.Ala3347Val; replaces alanine 3347 with valine.
Molecular consequence: missense variant.
Genome position (GRCh38, 1-based): chr15:41,853,388, G>A on the plus strand (C>T on the coding strand, the complement: SPTBN5 is on the minus strand). VCF-style: chr15-41853388-G-A. GRCh37 (hg19) VCF-style: chr15-42145586-G-A.
Other names: NC_000015.9:g.42145586G>A; short protein forms A3347V.
Identifiers: ClinVar variation 2645204 (VCV002645204.25), dbSNP rs112040796, ClinGen allele CA7501181.